The following is an entry in ClinVar:

NM_005751.5(AKAP9):c.6472C>T (p.Gln2158Ter)

Gene: AKAP9 (A-kinase anchoring protein 9; plus strand). Cytogenetic location: 7q21.2.
Variant type: single nucleotide variant.
Coding change: c.6472C>T on transcript NM_005751.5 (MANE Select); coding-DNA position 6472, C replaced by T.
Protein change: p.Gln2158Ter; replaces glutamine 2158 with a stop codon.
Molecular consequence: nonsense.
Genome position (GRCh38, 1-based): chr7:92,070,171, C>T. VCF-style: chr7-92070171-C-T. GRCh37 (hg19) VCF-style: chr7-91699485-C-T.
Other names: c.1117C>T, p.Gln373Ter (NM_001379277.1); c.6472C>T, p.Gln2158Ter (NM_147185.3); short protein forms Q373*, Q2158*.
Identifiers: ClinVar variation 2449767 (VCV002449767.2), dbSNP rs1271398612, ClinGen allele CA368134279.

ClinVar aggregate classification (germline): Uncertain significance (1 of 4 stars; one submission).

Conditions:
Cardiovascular phenotype. Identifiers: MedGen CN230736.

Allele frequency attached by ClinVar (database versions not stated): gnomAD exomes below 0.00001.
gnomAD v4.1: 1 of 1,613,992 alleles (0.000062%); highest among the groups gnomAD compares: Non-Finnish European, 0.000085%; no homozygotes.

Submission:

Ambry Genetics
Classification: Uncertain significance for Cardiovascular phenotype. Last evaluated: 2023-01-27. Review status: criteria provided, single submitter. Criteria: Ambry Variant Classification Scheme 2023. Collection method: clinical testing. Allele origin: germline.
Comment: The p.Q2158* variant (also known as c.6472C>T), located in coding exon 27 of the AKAP9 gene, results from a C to T substitution at nucleotide position 6472. This changes the amino acid from a glutamine to a stop codon within coding exon 27. This alteration is expected to result in loss of function by premature protein truncation or nonsense-mediated mRNA decay. However, the evidence for this gene-disease relationship is limited; therefore, the clinical significance of this alteration is unclear.